The following is an entry in ClinVar:

NM_138694.4(PKHD1):c.6122G>T (p.Gly2041Val)

Gene: PKHD1 (PKHD1 ciliary IPT domain containing fibrocystin/polyductin; minus strand). Cytogenetic location: 6p12.2.
Variant type: single nucleotide variant.
Coding change: c.6122G>T on transcript NM_138694.4 (MANE Select); coding-DNA position 6122, G replaced by T.
Protein change: p.Gly2041Val; replaces glycine 2041 with valine.
Molecular consequence: missense variant.
Genome position (GRCh38, 1-based): chr6:51,912,576, C>A on the plus strand (G>T on the coding strand, the complement: PKHD1 is on the minus strand). VCF-style: chr6-51912576-C-A. GRCh37 (hg19) VCF-style: chr6-51777374-C-A.
Other names: c.6122G>T, p.Gly2041Val (NM_170724.3); short protein forms G2041V.
Identifiers: ClinVar variation 1522079 (VCV001522079.5), dbSNP rs2127668227, ClinGen allele CA364439986.

ClinVar aggregate classification (germline): Uncertain significance (1 of 4 stars; one submission).

Conditions:
Autosomal recessive polycystic kidney disease (ARPKD). Also called: AR polycystic kidney disease. Identifiers: Orphanet 731, Orphanet 8378, MedGen C0085548, MeSH D017044, MONDO:0009889.

Submission:

Labcorp Genetics (formerly Invitae), Labcorp
Classification: Uncertain significance for Autosomal recessive polycystic kidney disease. Last evaluated: 2021-09-01. Review status: criteria provided, single submitter. Criteria: Invitae Variant Classification Sherloc (09022015). Collection method: clinical testing. Allele origin: germline.
Comment: This sequence change replaces glycine with valine at codon 2041 of the PKHD1 protein (p.Gly2041Val). The glycine residue is moderately conserved and there is a moderate physicochemical difference between glycine and valine. This variant is not present in population databases (ExAC no frequency). This missense change has been observed in individual(s) with polycystic kidney disease (Invitae). Algorithms developed to predict the effect of missense changes on protein structure and function are either unavailable or do not agree on the potential impact of this missense change (SIFT: "Deleterious"; PolyPhen-2: "Probably Damaging"; Align-GVGD: "Class C0"). Algorithms developed to predict the effect of sequence changes on RNA splicing suggest that this variant may disrupt the consensus splice site. In summary, the available evidence is currently insufficient to determine the role of this variant in disease. Therefore, it has been classified as a Variant of Uncertain Significance.